The following is an entry in ClinVar:

NM_178526.5(SLC25A42):c.850C>A (p.Leu284Ile)

Gene: SLC25A42 (solute carrier family 25 member 42; plus strand). Cytogenetic location: 19p13.11.
Variant type: single nucleotide variant.
Coding change: c.850C>A on transcript NM_178526.5 (MANE Select); coding-DNA position 850, C replaced by A.
Protein change: p.Leu284Ile; replaces leucine 284 with isoleucine.
Molecular consequence: missense variant.
Genome position (GRCh38, 1-based): chr19:19,110,769, C>A. VCF-style: chr19-19110769-C-A. GRCh37 (hg19) VCF-style: chr19-19221578-C-A.
Other names: c.850C>A, p.Leu284Ile (NM_001321544.2); short protein forms L284I.
Identifiers: ClinVar variation 2086634 (VCV002086634.4), dbSNP rs1281755886, ClinGen allele CA404898093.

ClinVar aggregate classification (germline): Uncertain significance (1 of 4 stars; one submission).

Allele frequency attached by ClinVar (database versions not stated): gnomAD exomes below 0.00001; gnomAD 0.00001; TOPMed 0.00001.
gnomAD v4.1: 5 of 1,613,402 alleles (0.00031%); highest among the groups gnomAD compares: Non-Finnish European, 0.00042%; no homozygotes.

Submission:

Labcorp Genetics (formerly Invitae), Labcorp
Classification: Uncertain significance. Last evaluated: 2022-01-28. Review status: criteria provided, single submitter. Criteria: Invitae Variant Classification Sherloc (09022015). Collection method: clinical testing. Allele origin: germline.
Comment: In summary, the available evidence is currently insufficient to determine the role of this variant in disease. Therefore, it has been classified as a Variant of Uncertain Significance. Algorithms developed to predict the effect of missense changes on protein structure and function are either unavailable or do not agree on the potential impact of this missense change (SIFT: "Tolerated"; PolyPhen-2: "Probably Damaging"; Align-GVGD: "Class C0"). This variant has not been reported in the literature in individuals affected with SLC25A42-related conditions. This variant is not present in population databases (gnomAD no frequency). This sequence change replaces leucine, which is neutral and non-polar, with isoleucine, which is neutral and non-polar, at codon 284 of the SLC25A42 protein (p.Leu284Ile).